The following is an entry in ClinVar:

ClinVar aggregate classification (germline): Uncertain significance (1 of 4 stars; one submission).

Conditions:
Familial adenomatous polyposis 1 (FAP1). Also called: FAMILIAL ADENOMATOUS POLYPOSIS 1, ATTENUATED; POLYPOSIS, ADENOMATOUS INTESTINAL. Identifiers: MedGen C2713442, MONDO:0021056, OMIM 175100. Disease mechanism: loss of function.

Submission:

Labcorp Genetics (formerly Invitae), Labcorp
Classification: Uncertain significance for Familial adenomatous polyposis 1. Last evaluated: 2023-01-28. Review status: criteria provided, single submitter. Criteria: Invitae Variant Classification Sherloc (09022015). Collection method: clinical testing. Allele origin: germline.
Comment: Advanced modeling of protein sequence and biophysical properties (such as structural, functional, and spatial information, amino acid conservation, physicochemical variation, residue mobility, and thermodynamic stability) performed at Invitae indicates that this missense variant is not expected to disrupt APC protein function. In summary, the available evidence is currently insufficient to determine the role of this variant in disease. Therefore, it has been classified as a Variant of Uncertain Significance. This variant has not been reported in the literature in individuals affected with APC-related conditions. This variant is not present in population databases (gnomAD no frequency). This sequence change replaces threonine, which is neutral and polar, with asparagine, which is neutral and polar, at codon 1380 of the APC protein (p.Thr1380Asn).

NM_000038.6(APC):c.4139C>A (p.Thr1380Asn)

Gene: APC (APC regulator of Wnt signaling pathway; plus strand). Cytogenetic location: 5q22.2.
Variant type: single nucleotide variant.
Coding change: c.4139C>A on transcript NM_000038.6 (MANE Select); coding-DNA position 4139, C replaced by A.
Protein change: p.Thr1380Asn; replaces threonine 1380 with asparagine.
Molecular consequence: missense variant. On other transcripts: non-coding transcript variant (2).
Genome position (GRCh38, 1-based): chr5:112,839,733, C>A. VCF-style: chr5-112839733-C-A. GRCh37 (hg19) VCF-style: chr5-112175430-C-A.
Other names: c.4055C>A, p.Thr1352Asn (NM_001354899.2); c.4016C>A, p.Thr1339Asn (NM_001354900.2); c.4193C>A, p.Thr1398Asn (NM_001354896.2, NM_001407447.1, NM_001407448.1 and 1 more transcripts); c.4169C>A, p.Thr1390Asn (NM_001354897.2); c.4064C>A, p.Thr1355Asn (NM_001354898.2); c.4085C>A, p.Thr1362Asn (NM_001127511.3); c.4139C>A, p.Thr1380Asn (NM_001354895.2, NM_001407450.1, NM_001127510.3); c.3836C>A, p.Thr1279Asn (NM_001354903.2, NM_001407458.1, NM_001407459.1 and 1 more transcripts); and 11 more; short protein forms T1251N, T1339N, T1220N, T1254N, T1289N, T1321N, T1352N, T1370N.
Identifiers: ClinVar variation 2832395 (VCV002832395.3), dbSNP rs876660713, ClinGen allele CA16030399.
Genomic context (GRCh38, chr5:112,839,733, plus strand): 5'-CTCCCTCCAAAAGTGGTGCTCAGACACCCAAAAGTCCACCTGAACACTATGTTCAGGAGA[C>A]CCCACTCATGTTTAGCAGATGTACTTCTGTCAGTTCACTTGATAGTTTTGAGAGTCGTTC-3'
Protein context (NP_000029.2, residues 1370-1390): KSPPEHYVQE[Thr1380Asn]PLMFSRCTSV